The following is an entry in ClinVar:

NM_005120.3(MED12):c.5805C>T (p.Ser1935=)

Gene: MED12 (mediator complex subunit 12; plus strand). Cytogenetic location: Xq13.1.
Variant type: single nucleotide variant.
Coding change: c.5805C>T on transcript NM_005120.3 (MANE Select); coding-DNA position 5805, C replaced by T.
Protein change: p.Ser1935=; no amino-acid change (serine 1935 retained).
Molecular consequence: synonymous variant.
Genome position (GRCh38, 1-based): chrX:71,137,614, C>T. VCF-style: chrX-71137614-C-T. GRCh37 (hg19) VCF-style: chrX-70357464-C-T.
Identifiers: ClinVar variation 391402 (VCV000391402.45), dbSNP rs201608537, ClinGen allele CA10444835.

ClinVar aggregate classification (germline): Benign/Likely benign. Review status: criteria provided, multiple submitters, no conflicts (2 of 4 stars). 6 submissions from 6 submitters: Benign (2); Likely benign (4). Last evaluated 2026-01-06.

Conditions:
Cholestasis-pigmentary retinopathy-cleft palate syndrome (HDKR). Also called: Hardikar Syndrome (HS). Identifiers: Orphanet 1415, MedGen C0795969, MeSH C535632, MONDO:0012997, OMIM 301068.
X-linked intellectual disability with marfanoid habitus. Also called: Lujan Syndrome; X-linked mental retardation with marfanoid habitus syndrome; INTELLECTUAL DEVELOPMENTAL DISORDER, X-LINKED, SYNDROMIC, LUJAN-FRYNS TYPE; Lujan Syndrome (LS). Identifiers: Orphanet 776, MedGen C0796022, MONDO:0010655, OMIM 309520.
FG syndrome 1 (OKS). Also called: OPITZ-KAVEGGIA SYNDROME; KELLER SYNDROME; MENTAL RETARDATION, LARGE HEAD, IMPERFORATE ANUS, CONGENITAL HYPOTONIA, AND PARTIAL AGENESIS OF CORPUS CALLOSUM; FG Syndrome Type 1 (FGS1). Identifiers: Orphanet 93932, MedGen C5399762, MONDO:0010590, OMIM 305450.
Blepharophimosis - intellectual disability syndrome, MKB type. Also called: X-Linked Ohdo Syndrome (XLOS); BLEPHAROPHIMOSIS-MENTAL RETARDATION SYNDROME, MAAT-KIEVIT-BRUNNER TYPE; Ohdo syndrome, X-linked. Identifiers: Orphanet 293707, MedGen C3698541, MONDO:0010477, OMIM 300895.
FG syndrome (FGS). Identifiers: MedGen C0220769, MONDO:0002010.
Familial thoracic aortic aneurysm and aortic dissection (TAAD). Also called: Thoracic aortic aneurysms and dissections. Identifiers: Orphanet 91387, MedGen C4707243, MONDO:0019625.

Allele frequency attached by ClinVar (database versions not stated): gnomAD exomes 0.00005 and 0.00007; 1000 Genomes Project 30x 0.00021; 1000 Genomes Project 0.00026; ExAC 0.00005; TOPMed 0.00009; gnomAD 0.00014 and 0.00013.
gnomAD v4.1: 93 of 1,208,019 alleles (0.0077%); highest among the groups gnomAD compares: Middle Eastern, 0.023%; no homozygotes.

Submissions (6):

Labcorp Genetics (formerly Invitae), Labcorp
Classification: Benign for FG syndrome. Last evaluated: 2026-01-06. Review status: criteria provided, single submitter. Criteria: Invitae Variant Classification Sherloc (09022015). Collection method: clinical testing. Allele origin: germline.

CeGaT Center for Human Genetics Tuebingen
Classification: Likely benign. Last evaluated: 2025-11-01. Review status: criteria provided, single submitter. Criteria: CeGaT Center For Human Genetics Tuebingen Variant Classification Criteria Version 2. Collection method: clinical testing. Allele origin: germline. Affected: yes. Observed: 3 variant alleles.
Comment: MED12: BP4, BP7, BS2

Blueprint Genetics
Classification: Likely benign. Last evaluated: 2024-06-14. Review status: criteria provided, single submitter. Criteria: ACMG Guidelines, 2015. Collection method: clinical testing. Allele origin: germline.

Fulgent Genetics
Classification: Benign for Blepharophimosis - intellectual disability syndrome, MKB type; Cholestasis-pigmentary retinopathy-cleft palate syndrome; FG syndrome 1; X-linked intellectual disability with marfanoid habitus. Last evaluated: 2022-03-16. Review status: criteria provided, single submitter. Criteria: ACMG Guidelines, 2015. Collection method: clinical testing. Allele origin: unknown.

GeneDx
Classification: Likely benign. Last evaluated: 2020-06-10. Review status: criteria provided, single submitter. Criteria: GeneDx Variant Classification Process June 2021. Collection method: clinical testing. Allele origin: germline. Affected: yes.

Ambry Genetics
Classification: Likely benign for Familial thoracic aortic aneurysm and aortic dissection. Last evaluated: 2017-10-23. Review status: criteria provided, single submitter. Criteria: Ambry Variant Classification Scheme 2023. Collection method: clinical testing. Allele origin: germline.